The following is an entry in ClinVar:

NM_177438.3(DICER1):c.3787G>A (p.Gly1263Ser)

Gene: DICER1 (dicer 1, ribonuclease III; minus strand). Cytogenetic location: 14q32.13.
Variant type: single nucleotide variant.
Coding change: c.3787G>A on transcript NM_177438.3 (MANE Select); coding-DNA position 3787, G replaced by A.
Protein change: p.Gly1263Ser; replaces glycine 1263 with serine.
Molecular consequence: missense variant.
Genome position (GRCh38, 1-based): chr14:95,103,609, C>T on the plus strand (G>A on the coding strand, the complement: DICER1 is on the minus strand). VCF-style: chr14-95103609-C-T. GRCh37 (hg19) VCF-style: chr14-95569946-C-T.
Other names: c.3787G>A (NM_177438.2); c.3787G>A, p.Gly1263Ser (NM_001195573.1, NM_001271282.3, NM_001291628.2 and 1 more transcripts); short protein forms G1263S.
Identifiers: ClinVar variation 1386471 (VCV001386471.8), dbSNP rs895397073, ClinGen allele CA265905971.

ClinVar aggregate classification (germline): Uncertain significance. Review status: criteria provided, multiple submitters, no conflicts (2 of 4 stars). 2 submissions from 2 submitters: Uncertain significance (2). Last evaluated 2025-11-18.

Conditions:
Hereditary cancer-predisposing syndrome. Also called: Tumor predisposition; Hereditary neoplastic syndrome; Neoplastic Syndromes, Hereditary; Hereditary Cancer Syndrome. Identifiers: Orphanet 140162, MedGen C0027672, MeSH D009386, MONDO:0015356.
DICER1-related tumor predisposition. Also called: DICER1 syndrome; DICER1-related pleuropulmonary blastoma cancer predisposition syndrome. Identifiers: Orphanet 284343, MedGen C3839822, MONDO:0100216.

Allele frequency attached by ClinVar (database versions not stated): TOPMed below 0.00001.

Submissions (2):

Labcorp Genetics (formerly Invitae), Labcorp
Classification: Uncertain significance for DICER1-related tumor predisposition. Last evaluated: 2025-11-18. Review status: criteria provided, single submitter. Criteria: Invitae Variant Classification Sherloc (09022015). Collection method: clinical testing. Allele origin: germline.
Comment: This sequence change replaces glycine, which is neutral and non-polar, with serine, which is neutral and polar, at codon 1263 of the DICER1 protein (p.Gly1263Ser). This variant is not present in population databases (gnomAD no frequency). This variant has not been reported in the literature in individuals affected with DICER1-related conditions. ClinVar contains an entry for this variant (Variation ID: 1386471). Invitae Evidence Modeling of protein sequence and biophysical properties (such as structural, functional, and spatial information, amino acid conservation, physicochemical variation, residue mobility, and thermodynamic stability) indicates that this missense variant is not expected to disrupt DICER1 protein function with a negative predictive value of 95%. In summary, the available evidence is currently insufficient to determine the role of this variant in disease. Therefore, it has been classified as a Variant of Uncertain Significance.

Ambry Genetics
Classification: Uncertain significance for Hereditary cancer-predisposing syndrome. Last evaluated: 2024-04-17. Review status: criteria provided, single submitter. Criteria: Ambry Variant Classification Scheme 2023. Collection method: clinical testing. Allele origin: germline.
Comment: The p.G1263S variant (also known as c.3787G>A), located in coding exon 20 of the DICER1 gene, results from a G to A substitution at nucleotide position 3787. The glycine at codon 1263 is replaced by serine, an amino acid with similar properties. This amino acid position is conserved. In addition, this alteration is predicted to be tolerated by in silico analysis. Based on the available evidence, the clinical significance of this variant remains unclear.